The following is an entry in ClinVar:

ClinVar aggregate classification (germline): Uncertain significance (1 of 4 stars; one submission).

Allele frequency attached by ClinVar (database versions not stated): TOPMed below 0.00001; gnomAD 0.00001.
gnomAD v4.1: 1 of 1,613,862 alleles (0.000062%); highest among the groups gnomAD compares: African/African-American, 0.0013%; no homozygotes.

Submission:

Labcorp Genetics (formerly Invitae), Labcorp
Classification: Uncertain significance. Last evaluated: 2022-07-23. Review status: criteria provided, single submitter. Criteria: Invitae Variant Classification Sherloc (09022015). Collection method: clinical testing. Allele origin: germline.
Comment: In summary, the available evidence is currently insufficient to determine the role of this variant in disease. Therefore, it has been classified as a Variant of Uncertain Significance. Algorithms developed to predict the effect of missense changes on protein structure and function output the following: SIFT: "Tolerated"; PolyPhen-2: "Benign"; Align-GVGD: "Class C0". The valine amino acid residue is found in multiple mammalian species, which suggests that this missense change does not adversely affect protein function. This variant has not been reported in the literature in individuals affected with ABHD5-related conditions. This variant is not present in population databases (gnomAD no frequency). This sequence change replaces leucine, which is neutral and non-polar, with valine, which is neutral and non-polar, at codon 88 of the ABHD5 protein (p.Leu88Val).

NM_016006.6(ABHD5):c.262C>G (p.Leu88Val)

Gene: ABHD5 (abhydrolase domain containing 5, lysophosphatidic acid acyltransferase; plus strand). Cytogenetic location: 3p21.33.
Variant type: single nucleotide variant.
Coding change: c.262C>G on transcript NM_016006.6 (MANE Select); coding-DNA position 262, C replaced by G.
Protein change: p.Leu88Val; replaces leucine 88 with valine.
Molecular consequence: missense variant. On other transcripts: non-coding transcript variant (1).
Genome position (GRCh38, 1-based): chr3:43,702,343, C>G. VCF-style: chr3-43702343-C-G. GRCh37 (hg19) VCF-style: chr3-43743835-C-G.
Other names: c.262C>G, p.Leu88Val (NM_001355186.2, NM_001365650.1); c.139C>G, p.Leu47Val (NM_001365649.1); short protein forms L47V, L88V.
Identifiers: ClinVar variation 1991836 (VCV001991836.4), dbSNP rs1042260491, ClinGen allele CA352345151.
Genomic context (GRCh38, chr3:43,702,343, plus strand): 5'-TTCTCTCATAATATTTCAAATAAGACTCCACTTGTCCTTCTCCATGGTTTTGGAGGAGGT[C>G]TTGGGCTCTGGGCACTGAATTTTGGAGATCTTTGCACCAACAGACCTGTCTATGCTTTTG-3'
Protein context (NP_057090.2, residues 78-98): LVLLHGFGGG[Leu88Val]GLWALNFGDL